The following is an entry in ClinVar:

ClinVar aggregate classification (germline): Uncertain significance (1 of 4 stars; one submission).

Submission:

GeneDx
Classification: Uncertain significance. Last evaluated: 2024-07-14. Review status: criteria provided, single submitter. Criteria: GeneDx Variant Classification Process June 2021. Collection method: clinical testing. Allele origin: germline. Affected: yes.
Comment: Not observed at significant frequency in large population cohorts (gnomAD); In silico analysis indicates that this missense variant does not alter protein structure/function; Has not been previously published as pathogenic or benign to our knowledge

NM_170606.3(KMT2C):c.1393A>C (p.Asn465His)

Gene: KMT2C (lysine methyltransferase 2C; minus strand). Cytogenetic location: 7q36.1.
Variant type: single nucleotide variant.
Coding change: c.1393A>C on transcript NM_170606.3 (MANE Select); coding-DNA position 1393, A replaced by C.
Protein change: p.Asn465His; replaces asparagine 465 with histidine.
Molecular consequence: missense variant.
Genome position (GRCh38, 1-based): chr7:152,252,622, T>G on the plus strand (A>C on the coding strand, the complement: KMT2C is on the minus strand). VCF-style: chr7-152252622-T-G. GRCh37 (hg19) VCF-style: chr7-151949707-T-G.
Other names: short protein forms N465H.
Identifiers: ClinVar variation 3573605 (VCV003573605.1).
Genomic context (GRCh38, chr7:152,252,622, plus strand): 5'-AATGAAGCATGTCTTTCTGCAATTCTGGATGATAACACTTCCCACAGAAGGGACATAAGT[T>G]ATCCTGCTGTTGGTAACAATTGTCACATATCAGGCAATTGTGGTGCCACTGAGAACTAGA-3'
Protein context (NP_733751.2, residues 455-475): ICDNCYQQQD[Asn465His]LCPFCGKCYH